The following is an entry in ClinVar:

ClinVar aggregate classification (germline): Uncertain significance (1 of 4 stars; one submission).

Conditions:
Inborn genetic diseases. Identifiers: MedGen C0950123, MeSH D030342.

gnomAD v4.1: 2 of 1,614,048 alleles (0.00012%); highest among the groups gnomAD compares: African/African-American, 0.0027%; no homozygotes.

Submission:

Ambry Genetics
Classification: Uncertain significance for Inborn genetic diseases. Last evaluated: 2024-12-15. Review status: criteria provided, single submitter. Criteria: Ambry Variant Classification Scheme 2023. Collection method: clinical testing. Allele origin: germline.
Comment: The p.K731R variant (also known as c.2192A>G), located in coding exon 8 of the MECOM gene, results from an A to G substitution at nucleotide position 2192. The lysine at codon 731 is replaced by arginine, an amino acid with highly similar properties. This amino acid position is conserved. In addition, this alteration is predicted to be tolerated by in silico analysis. Based on the available evidence, the clinical significance of this variant remains unclear.

NM_004991.4(MECOM):c.2192A>G (p.Lys731Arg)

Gene: MECOM (MDS1 and EVI1 complex locus; minus strand). Cytogenetic location: 3q26.2.
Variant type: single nucleotide variant.
Coding change: c.2192A>G on transcript NM_004991.4 (MANE Select); coding-DNA position 2192, A replaced by G.
Protein change: p.Lys731Arg; replaces lysine 731 with arginine.
Molecular consequence: missense variant.
Genome position (GRCh38, 1-based): chr3:169,115,680, T>C on the plus strand (A>G on the coding strand, the complement: MECOM is on the minus strand). VCF-style: chr3-169115680-T-C. GRCh37 (hg19) VCF-style: chr3-168833468-T-C.
Other names: c.1823A>G, p.Lys608Arg (NM_001105077.4); c.1628A>G, p.Lys543Arg (NM_001105078.4, NM_001164000.2, NM_001205194.2 and 4 more transcripts); c.1631A>G, p.Lys544Arg (NM_001163999.2, NM_001366467.2, NM_001366468.2 and 1 more transcripts); c.2192A>G, p.Lys731Arg (NM_001366466.2); c.1220A>G, p.Lys407Arg (NM_001366473.2); c.656A>G, p.Lys219Arg (NM_001366474.2); short protein forms K219R, K731R, K544R, K407R, K543R, K608R.
Identifiers: ClinVar variation 3871612 (VCV003871612.1).
Genomic context (GRCh38, chr3:169,115,680, plus strand): 5'-TCATCCTTTCGCTTAGTGGTGAGATCAAAGGGGGACTCAGAGCTGCCCTTCTGCAGTTTC[T>C]TTACTTCACCTGGTGATTGGGGTTCCATTTTCAAAGGTAACGATCTCAAGTCTCTATCAG-3'
Protein context (NP_004982.2, residues 721-741): KMEPQSPGEV[Lys731Arg]KLQKGSSESP